The following is an entry in ClinVar:

NM_000138.5(FBN1):c.4085C>G (p.Thr1362Ser)

Gene: FBN1 (fibrillin 1; minus strand). Cytogenetic location: 15q21.1.
Variant type: single nucleotide variant.
Coding change: c.4085C>G on transcript NM_000138.5 (MANE Select); coding-DNA position 4085, C replaced by G.
Protein change: p.Thr1362Ser; replaces threonine 1362 with serine.
Molecular consequence: missense variant.
Genome position (GRCh38, 1-based): chr15:48,474,530, G>C on the plus strand (C>G on the coding strand, the complement: FBN1 is on the minus strand). VCF-style: chr15-48474530-G-C. GRCh37 (hg19) VCF-style: chr15-48766727-G-C.
Other names: c.4085C>G, p.Thr1362Ser (NM_001406716.1); short protein forms T1362S.
Identifiers: ClinVar variation 2498342 (VCV002498342.1), dbSNP rs2505518455, ClinGen allele CA392320399.

ClinVar aggregate classification (germline): Likely pathogenic (0 of 4 stars; one submission).

Conditions:
Marfan syndrome (MFS). Also called: MARFAN SYNDROME, TYPE I; FBN1-Related Marfan Syndrome; Marfan syndrome type 1; Marfan's syndrome; Marfan syndrome, classic. Identifiers: Orphanet 284963, Orphanet 558, MedGen C0024796, MONDO:0007947, OMIM 154700.

Submission:

deCODE genetics, Amgen
Classification: Likely pathogenic for Marfan syndrome. Last evaluated: 2023-04-10. Review status: no assertion criteria provided. Collection method: research. Allele origin: germline. Affected: yes. Observed: 1 variant allele.
Comment: Applied ACMG criteria: PS2, PM2, PP2, PP4

Literature cited by the submitters: PubMed 37684520.